The following is an entry in ClinVar:

ClinVar aggregate classification (germline): Uncertain significance. Review status: criteria provided, multiple submitters, no conflicts (2 of 4 stars). 2 submissions from 2 submitters: Uncertain significance (2). Last evaluated 2025-10-10.

Allele frequency attached by ClinVar (database versions not stated): gnomAD 0.00001; gnomAD exomes 0.00001; TOPMed 0.00001.
gnomAD v4.1: 12 of 1,610,168 alleles (0.00075%); highest among the groups gnomAD compares: Middle Eastern, 0.016%; no homozygotes.

Submissions (2):

Women's Health and Genetics/Laboratory Corporation of America, LabCorp
Classification: Uncertain significance. Last evaluated: 2025-10-10. Review status: criteria provided, single submitter. Criteria: LabCorp Variant Classification Summary - May 2015. Collection method: clinical testing. Allele origin: germline.
Comment: Variant summary: COL1A1 c.2593C>T (p.Arg865Cys) results in a non-conservative amino acid change in the encoded protein sequence. Algorithms developed to predict the effect of missense changes on protein structure and function all suggest that this variant is likely to be disruptive. The frequency data for this variant in gnomAD is considered unreliable, as metrics indicate poor data quality at this position. To our knowledge, no occurrence of c.2593C>T in individuals affected with COL1A1-related conditions and no experimental evidence demonstrating its impact on protein function have been reported. The following publications have been ascertained in the context of this evaluation (PMID: 38370698, 39226896). ClinVar contains an entry for this variant (Variation ID: 452560). Based on the evidence outlined above, the variant was classified as uncertain significance.

GeneDx
Classification: Uncertain significance. Last evaluated: 2021-02-16. Review status: criteria provided, single submitter. Criteria: GeneDx Variant Classification Process June 2021. Collection method: clinical testing. Allele origin: germline. Affected: yes.
Comment: In silico analysis supports that this missense variant has a deleterious effect on protein structure/function; Has not been previously published as pathogenic or benign to our knowledge

Literature cited by the submitters: PubMed 38370698 (cited by Women's Health and Genetics/Laboratory Corporation of America, LabCorp); PubMed 39226896 (cited by Women's Health and Genetics/Laboratory Corporation of America, LabCorp).

NM_000088.4(COL1A1):c.2593C>T (p.Arg865Cys)

Gene: COL1A1 (collagen type I alpha 1 chain; minus strand). Cytogenetic location: 17q21.33.
Variant type: single nucleotide variant.
Coding change: c.2593C>T on transcript NM_000088.4 (MANE Select); coding-DNA position 2593, C replaced by T.
Protein change: p.Arg865Cys; replaces arginine 865 with cysteine.
Molecular consequence: missense variant.
Genome position (GRCh38, 1-based): chr17:50,189,879, G>A on the plus strand (C>T on the coding strand, the complement: COL1A1 is on the minus strand). VCF-style: chr17-50189879-G-A. GRCh37 (hg19) VCF-style: chr17-48267240-G-A.
Other names: short protein forms R865C.
Identifiers: ClinVar variation 452560 (VCV000452560.5), dbSNP rs1555572582, ClinGen allele CA400207258.